The following is an entry in ClinVar:

ClinVar aggregate classification (germline): Uncertain significance (1 of 4 stars; one submission).

Allele frequency attached by ClinVar (database versions not stated): gnomAD 0.00001.
gnomAD v4.1: 4 of 1,589,806 alleles (0.00025%); highest among the groups gnomAD compares: East Asian, 0.0022%; no homozygotes.

Submission:

Labcorp Genetics (formerly Invitae), Labcorp
Classification: Uncertain significance. Last evaluated: 2021-10-21. Review status: criteria provided, single submitter. Criteria: Invitae Variant Classification Sherloc (09022015). Collection method: clinical testing. Allele origin: germline.
Comment: In summary, the available evidence is currently insufficient to determine the role of this variant in disease. Therefore, it has been classified as a Variant of Uncertain Significance. Algorithms developed to predict the effect of missense changes on protein structure and function (SIFT, PolyPhen-2, Align-GVGD) all suggest that this variant is likely to be tolerated. This variant has not been reported in the literature in individuals affected with P3H2-related conditions. This variant is not present in population databases (ExAC no frequency). This sequence change replaces proline with leucine at codon 396 of the P3H2 protein (p.Pro396Leu). The proline residue is moderately conserved and there is a moderate physicochemical difference between proline and leucine.

NM_018192.4(P3H2):c.1187C>T (p.Pro396Leu)

Gene: P3H2 (prolyl 3-hydroxylase 2; minus strand). Cytogenetic location: 3q28.
Variant type: single nucleotide variant.
Coding change: c.1187C>T on transcript NM_018192.4 (MANE Select); coding-DNA position 1187, C replaced by T.
Protein change: p.Pro396Leu; replaces proline 396 with leucine.
Molecular consequence: missense variant.
Genome position (GRCh38, 1-based): chr3:189,986,789, G>A on the plus strand (C>T on the coding strand, the complement: P3H2 is on the minus strand). VCF-style: chr3-189986789-G-A. GRCh37 (hg19) VCF-style: chr3-189704578-G-A.
Other names: c.644C>T, p.Pro215Leu (NM_001134418.2); short protein forms P215L, P396L.
Identifiers: ClinVar variation 1059880 (VCV001059880.3), dbSNP rs774202013, ClinGen allele CA355757041.